The following is an entry in ClinVar:

ClinVar aggregate classification (germline): Benign. Review status: criteria provided, multiple submitters, no conflicts (2 of 4 stars). 3 submissions from 3 submitters: Benign (2). 1 of the submissions does not count toward it. Last evaluated 2019-12-31.

Conditions:
MCTP2-related disorder. Also called: MCTP2-related condition.

Allele frequency attached by ClinVar (database versions not stated): gnomAD exomes 0.00109 and 0.00297; ExAC 0.00361; 1000 Genomes Project 0.00739; 1000 Genomes Project 30x 0.00984; gnomAD 0.01193 and 0.01307; TOPMed 0.01276; ESP Exome Variant Server 0.01447.
gnomAD v4.1: 3,462 of 1,608,534 alleles (0.22%); highest among the groups gnomAD compares: African/African-American, 4.2%; 60 homozygotes.

Submissions (3):

Labcorp Genetics (formerly Invitae), Labcorp
Classification: Benign. Last evaluated: 2019-12-31. Review status: criteria provided, single submitter. Criteria: Invitae Variant Classification Sherloc (09022015). Collection method: clinical testing. Allele origin: germline.

Breakthrough Genomics
Classification: Benign. Review status: criteria provided, single submitter. Criteria: ACMG Guidelines, 2015. Collection method: not provided. Allele origin: germline. Inheritance: Unknown mechanism. Affected: yes.

PreventionGenetics, part of Exact Sciences
Classification: Benign for MCTP2-related condition. Last evaluated: 2019-04-18. Review status: no assertion criteria provided. Collection method: clinical testing. Allele origin: germline. Not counted in ClinVar's aggregate classification.
Comment: This variant is classified as benign based on ACMG/AMP sequence variant interpretation guidelines (Richards et al. 2015 PMID: 25741868, with internal and published modifications).

NM_001385001.1(MCTP2):c.2083G>A (p.Ala695Thr)

Gene: MCTP2 (multiple C2 and transmembrane domain containing 2; plus strand). Cytogenetic location: 15q26.2.
Variant type: single nucleotide variant.
Coding change: c.2083G>A on transcript NM_001385001.1 (MANE Select); coding-DNA position 2083, G replaced by A.
Protein change: p.Ala695Thr; replaces alanine 695 with threonine.
Molecular consequence: missense variant. On other transcripts: non-coding transcript variant (7).
Genome position (GRCh38, 1-based): chr15:94,402,017, G>A. VCF-style: chr15-94402017-G-A. GRCh37 (hg19) VCF-style: chr15-94945246-G-A.
Other names: c.2083G>A, p.Ala695Thr (NM_001159643.2, NM_001385002.1, NM_001385003.1 and 5 more transcripts); c.847G>A, p.Ala283Thr (NM_001159644.2); c.1801G>A, p.Ala601Thr (NM_001385007.1); c.1585G>A, p.Ala529Thr (NM_001385009.1, NM_001385010.1); c.1765G>A, p.Ala589Thr (NM_001385011.1); short protein forms A695T, A283T, A529T, A589T, A601T.
Identifiers: ClinVar variation 715674 (VCV000715674.7), dbSNP rs144209524, ClinGen allele CA7750261.